The following is an entry in ClinVar:

NM_000455.5(STK11):c.106T>C (p.Tyr36His)

Gene: STK11 (serine/threonine kinase 11; plus strand). Cytogenetic location: 19p13.3.
Variant type: single nucleotide variant.
Coding change: c.106T>C on transcript NM_000455.5 (MANE Select); coding-DNA position 106, T replaced by C.
Protein change: p.Tyr36His; replaces tyrosine 36 with histidine.
Molecular consequence: missense variant.
Genome position (GRCh38, 1-based): chr19:1,207,019, T>C. VCF-style: chr19-1207019-T-C. GRCh37 (hg19) VCF-style: chr19-1207018-T-C.
Other names: c.106T>C, p.Tyr36His (NM_001407255.1); short protein forms Y36H.
Identifiers: ClinVar variation 1783110 (VCV001783110.2), dbSNP rs2145404926, ClinGen allele CA402943836.

ClinVar aggregate classification (germline): Uncertain significance (1 of 4 stars; one submission).

Conditions:
Hereditary cancer-predisposing syndrome. Also called: Neoplastic Syndromes, Hereditary; Tumor predisposition; Hereditary Cancer Syndrome; Hereditary neoplastic syndrome. Identifiers: Orphanet 140162, MedGen C0027672, MeSH D009386, MONDO:0015356.

Submission:

Ambry Genetics
Classification: Uncertain significance for Hereditary cancer-predisposing syndrome. Last evaluated: 2022-04-28. Review status: criteria provided, single submitter. Criteria: Ambry Variant Classification Scheme 2023. Collection method: clinical testing. Allele origin: germline.
Comment: The p.Y36H variant (also known as c.106T>C), located in coding exon 1 of the STK11 gene, results from a T to C substitution at nucleotide position 106. The tyrosine at codon 36 is replaced by histidine, an amino acid with similar properties. This amino acid position is highly conserved in available vertebrate species. In addition, the in silico prediction for this alteration is inconclusive. Since supporting evidence is limited at this time, the clinical significance of this alteration remains unclear.